The following is an entry in ClinVar:

ClinVar aggregate classification (germline): Uncertain significance (1 of 4 stars; one submission).

Conditions:
Developmental and epileptic encephalopathy, 30 (DEE30). Also called: Epileptic encephalopathy, early infantile, 30. Identifiers: MedGen C4225360, MONDO:0014595, OMIM 616341.

Submission:

Labcorp Genetics (formerly Invitae), Labcorp
Classification: Uncertain significance for Developmental and epileptic encephalopathy, 30. Last evaluated: 2024-09-25. Review status: criteria provided, single submitter. Criteria: Invitae Variant Classification Sherloc (09022015). Collection method: clinical testing. Allele origin: germline.
Comment: This sequence change replaces proline, which is neutral and non-polar, with leucine, which is neutral and non-polar, at codon 230 of the SIK1 protein (p.Pro230Leu). This variant is present in population databases (rs775722587, gnomAD 0.007%). This variant has not been reported in the literature in individuals affected with SIK1-related conditions. An algorithm developed to predict the effect of missense changes on protein structure and function (PolyPhen-2) suggests that this variant is likely to be disruptive. In summary, the available evidence is currently insufficient to determine the role of this variant in disease. Therefore, it has been classified as a Variant of Uncertain Significance.

NM_173354.5(SIK1):c.689C>T (p.Pro230Leu)

Gene: SIK1 (salt inducible kinase 1; minus strand). Cytogenetic location: 21q22.3.
Variant type: single nucleotide variant.
Coding change: c.689C>T on transcript NM_173354.5 (MANE Select); coding-DNA position 689, C replaced by T.
Protein change: p.Pro230Leu; replaces proline 230 with leucine.
Molecular consequence: missense variant.
Genome position (GRCh38, 1-based): chr21:43,421,069, G>A on the plus strand (C>T on the coding strand, the complement: SIK1 is on the minus strand). VCF-style: chr21-43421069-G-A. GRCh37 (hg19) VCF-style: chr21-44840949-G-A.
Other names: short protein forms P230L.
Identifiers: ClinVar variation 3686095 (VCV003686095.2).